The following is an entry in ClinVar:

NM_015662.3(IFT172):c.3340del (p.Glu1114fs)

Gene: IFT172 (intraflagellar transport 172; minus strand). Cytogenetic location: 2p23.3.
Variant type: Deletion.
Coding change: c.3340del on transcript NM_015662.3 (MANE Select); coding-DNA position 3340, one base deleted (G; older notation c.3340delG).
Protein change: p.Glu1114fs; shifts the reading frame from glutamic acid 1114.
Molecular consequence: frameshift variant.
Genome position (GRCh38, 1-based): chr2:27,456,542, C deleted on the plus strand (G on the coding strand, the reverse complement: IFT172 is on the minus strand); the first of 2 consecutive C bases (chr2:27,456,542-27,456,543); deleting either gives the same sequence. VCF-style (leftmost placement, unchanged base first): chr2-27456541-TC-T. GRCh37 (hg19) VCF-style: chr2-27679408-TC-T.
Other names: c.3274del, p.Glu1092fs (NM_001410739.1); short protein forms E1092fs, E1114fs.
Identifiers: ClinVar variation 4992718 (VCV004992718.1).
Genomic context (GRCh38, chr2:27,456,541, plus strand): 5'-GGCCCGTGGAGAGAAAGCTTGGGGCCTCACCAATTGTCTGCAGCGTGGTCAACAGCAGCT[TC>T]CAGGAGTCCCAGCTTATTAAGCAGTCTAACTGCAGCCTCTCCTCCCAGGCTCTTTGCCCA-3'

ClinVar aggregate classification (germline): Likely pathogenic (1 of 4 stars; one submission).

Conditions:
IFT172-related disorder. Also called: IFT172-related condition; IFT172-related disorders.

Submission:

PreventionGenetics, part of Exact Sciences
Classification: Likely pathogenic for IFT172-related condition. Last evaluated: 2026-08-27. Review status: criteria provided, single submitter. Criteria: ACMG Guidelines, 2015. Collection method: clinical testing. Allele origin: germline.
Comment: The IFT172 c.3340delG variant is predicted to result in a frameshift and premature protein termination (p.Glu1114Lysfs*203). To our knowledge, this variant has not been reported in the literature or in a large population database (gnomAD), indicating this variant is rare. Frameshift variants in IFT172 are expected to be pathogenic. This variant is interpreted as likely pathogenic.